The following is an entry in ClinVar:

NM_000094.4(COL7A1):c.3856C>T (p.Gln1286Ter)

Gene: COL7A1 (collagen type VII alpha 1 chain; minus strand). Cytogenetic location: 3p21.31.
Variant type: single nucleotide variant.
Coding change: c.3856C>T on transcript NM_000094.4 (MANE Select); coding-DNA position 3856, C replaced by T.
Protein change: p.Gln1286Ter; replaces glutamine 1286 with a stop codon.
Molecular consequence: nonsense.
Genome position (GRCh38, 1-based): chr3:48,585,595, G>A on the plus strand (C>T on the coding strand, the complement: COL7A1 is on the minus strand). VCF-style: chr3-48585595-G-A. GRCh37 (hg19) VCF-style: chr3-48623028-G-A.
Other names: short protein forms Q1286*.
Identifiers: ClinVar variation 2734522 (VCV002734522.3), dbSNP rs1450442913, ClinGen allele CA352700885.

ClinVar aggregate classification (germline): Pathogenic (1 of 4 stars; one submission).

gnomAD v4.1: 3 of 1,613,992 alleles (0.00019%); highest among the groups gnomAD compares: Non-Finnish European, 0.00025%; no homozygotes.

Submission:

Labcorp Genetics (formerly Invitae), Labcorp
Classification: Pathogenic. Last evaluated: 2023-06-14. Review status: criteria provided, single submitter. Criteria: Invitae Variant Classification Sherloc (09022015). Collection method: clinical testing. Allele origin: germline.
Comment: This premature translational stop signal has been observed in individual(s) with autosomal recessice epidermolysis bullosa dystrophica (PMID: 17916216). This sequence change creates a premature translational stop signal (p.Gln1286*) in the COL7A1 gene. It is expected to result in an absent or disrupted protein product. Loss-of-function variants in COL7A1 are known to be pathogenic (PMID: 16971478). This variant is not present in population databases (gnomAD no frequency). For these reasons, this variant has been classified as Pathogenic.

Literature cited by the submitters: PubMed 17916216; PubMed 16971478.